The following is an entry in ClinVar:

NM_005159.5(ACTC1):c.293T>C (p.Val98Ala)

Genes: ACTC1 (actin alpha cardiac muscle 1; minus strand), GJD2-DT (GJD2 divergent transcript; plus strand). Cytogenetic location: 15q14.
Variant type: single nucleotide variant.
Coding change: c.293T>C on transcript NM_005159.5 (MANE Select); coding-DNA position 293, T replaced by C.
Protein change: p.Val98Ala; replaces valine 98 with alanine.
Molecular consequence: missense variant.
Genome position (GRCh38, 1-based): chr15:34,793,406, A>G on the plus strand (T>C on the coding strand, the complement: ACTC1 is on the minus strand). VCF-style: chr15-34793406-A-G. GRCh37 (hg19) VCF-style: chr15-35085607-A-G.
Other names: c.293T>C (LRG_388t1); short protein forms V98A.
Identifiers: ClinVar variation 538806 (VCV000538806.9), dbSNP rs1555418891, ClinGen allele CA391631552.

ClinVar aggregate classification (germline): Uncertain significance. Review status: criteria provided, multiple submitters, no conflicts (2 of 4 stars). 2 submissions from 2 submitters: Uncertain significance (2). Last evaluated 2026-03-26.

Conditions:
Dilated cardiomyopathy 1R (CMD1R). Identifiers: Orphanet 154, Orphanet 54260, MedGen C3150681, MONDO:0013261, OMIM 613424.
Hypertrophic cardiomyopathy 11. Also called: ACTC1-Related Familial Hypertrophic Cardiomyopathy. Identifiers: MedGen C2677506, MONDO:0012799, OMIM 612098.
Atrial septal defect 5 (ASD5). Identifiers: Orphanet 1478, MedGen C2748552, MONDO:0013011, OMIM 612794.

Allele frequency attached by ClinVar (database versions not stated): TOPMed 0.00001.

Submissions (2):

GeneDx
Classification: Uncertain significance. Last evaluated: 2026-03-26. Review status: criteria provided, single submitter. Criteria: GeneDx Variant Classification Process June 2021. Collection method: clinical testing. Allele origin: germline.
Comment: Not observed at significant frequency in large population cohorts (gnomAD); In silico analysis supports that this missense variant has a deleterious effect on protein structure/function; This variant is associated with the following publications: (PMID: 39494597, 32830170)

Labcorp Genetics (formerly Invitae), Labcorp
Classification: Uncertain significance for Dilated cardiomyopathy 1R; Hypertrophic cardiomyopathy 11; Atrial septal defect 5. Last evaluated: 2025-01-29. Review status: criteria provided, single submitter. Criteria: Invitae Variant Classification Sherloc (09022015). Collection method: clinical testing. Allele origin: germline.
Comment: This sequence change replaces valine, which is neutral and non-polar, with alanine, which is neutral and non-polar, at codon 98 of the ACTC1 protein (p.Val98Ala). This variant is not present in population databases (gnomAD no frequency). This missense change has been observed in individuals with hypertrophic cardiomyopathy (PMID: 32830170; internal data). It has also been observed to segregate with disease in related individuals. ClinVar contains an entry for this variant (Variation ID: 538806). Invitae Evidence Modeling of protein sequence and biophysical properties (such as structural, functional, and spatial information, amino acid conservation, physicochemical variation, residue mobility, and thermodynamic stability) indicates that this missense variant is not expected to disrupt ACTC1 protein function with a negative predictive value of 80%. In summary, the available evidence is currently insufficient to determine the role of this variant in disease. Therefore, it has been classified as a Variant of Uncertain Significance.

Literature cited by the submitters: PubMed 32830170 (cited by Labcorp Genetics (formerly Invitae), Labcorp).